The following is an entry in ClinVar:

ClinVar aggregate classification (germline): Uncertain significance (1 of 4 stars; one submission).

Conditions:
POLD1-related polyposis and colorectal cancer syndrome (CRCS10). Also called: Colorectal cancer 10; COLORECTAL CANCER, SUSCEPTIBILITY TO, ON CHROMOSOME 19q; Colorectal cancer, susceptibility to, 10. Identifiers: Orphanet 220460, MedGen C2675481, MONDO:0012953, OMIM 612591.

Submission:

Labcorp Genetics (formerly Invitae), Labcorp
Classification: Uncertain significance for POLD1-related polyposis and colorectal cancer syndrome. Last evaluated: 2023-04-21. Review status: criteria provided, single submitter. Criteria: Invitae Variant Classification Sherloc (09022015). Collection method: clinical testing. Allele origin: germline.
Comment: This sequence change replaces cysteine, which is neutral and slightly polar, with serine, which is neutral and polar, at codon 837 of the POLD1 protein (p.Cys837Ser). This variant is not present in population databases (gnomAD no frequency). This missense change has been observed in individual(s) with clinical features of Lynch syndrome (PMID: 31297992). Advanced modeling of protein sequence and biophysical properties (such as structural, functional, and spatial information, amino acid conservation, physicochemical variation, residue mobility, and thermodynamic stability) performed at Invitae indicates that this missense variant is not expected to disrupt POLD1 protein function. In summary, the available evidence is currently insufficient to determine the role of this variant in disease. Therefore, it has been classified as a Variant of Uncertain Significance.

Literature cited by the submitters: PubMed 31297992.

NM_002691.4(POLD1):c.2510G>C (p.Cys837Ser)

Gene: POLD1 (DNA polymerase delta 1, catalytic subunit; plus strand). Cytogenetic location: 19q13.33.
Variant type: single nucleotide variant.
Coding change: c.2510G>C on transcript NM_002691.4 (MANE Select); coding-DNA position 2510, G replaced by C.
Protein change: p.Cys837Ser; replaces cysteine 837 with serine.
Molecular consequence: missense variant. On other transcripts: non-coding transcript variant (1).
Genome position (GRCh38, 1-based): chr19:50,414,936, G>C. VCF-style: chr19-50414936-G-C. GRCh37 (hg19) VCF-style: chr19-50918193-G-C.
Other names: c.2510G>C, p.Cys837Ser (NM_001256849.1); c.2588G>C, p.Cys863Ser (NM_001308632.1); short protein forms C837S, C863S.
Identifiers: ClinVar variation 2858054 (VCV002858054.3), dbSNP rs1555792877, ClinGen allele CA406985154.